The following is an entry in ClinVar:

ClinVar aggregate classification (germline): Uncertain significance. Review status: criteria provided, single submitter (1 of 4 stars). 2 submissions from 2 submitters: Uncertain significance (1). 1 of the submissions does not count toward it. Last evaluated 2022-08-16.

Conditions:
Leber congenital amaurosis (LCA). Also called: Leber's amaurosis. Identifiers: Orphanet 65, MedGen C0339527, MeSH D057130, MONDO:0018998.

Allele frequency attached by ClinVar (database versions not stated): ExAC 0.00001; gnomAD 0.00009; gnomAD exomes 0.00002; TOPMed 0.00007; ESP Exome Variant Server 0.00008.
gnomAD v4.1: 26 of 1,613,810 alleles (0.0016%); highest among the groups gnomAD compares: African/African-American, 0.028%; no homozygotes.

Submissions (2):

Labcorp Genetics (formerly Invitae), Labcorp
Classification: Uncertain significance. Last evaluated: 2022-08-16. Review status: criteria provided, single submitter. Criteria: Invitae Variant Classification Sherloc (09022015). Collection method: clinical testing. Allele origin: germline.
Comment: This sequence change replaces arginine, which is basic and polar, with isoleucine, which is neutral and non-polar, at codon 517 of the LCA5 protein (p.Arg517Ile). This variant is present in population databases (rs140706052, gnomAD 0.02%). This variant has not been reported in the literature in individuals affected with LCA5-related conditions. ClinVar contains an entry for this variant (Variation ID: 851377). Algorithms developed to predict the effect of missense changes on protein structure and function are either unavailable or do not agree on the potential impact of this missense change (SIFT: "Tolerated"; PolyPhen-2: "Possibly Damaging"; Align-GVGD: "Class C0"). In summary, the available evidence is currently insufficient to determine the role of this variant in disease. Therefore, it has been classified as a Variant of Uncertain Significance.

Natera, Inc.
Classification: Uncertain significance for Leber congenital amaurosis. Last evaluated: 2020-09-16. Review status: no assertion criteria provided. Collection method: clinical testing. Allele origin: germline. Not counted in ClinVar's aggregate classification.

NM_001122769.3(LCA5):c.1550G>T (p.Arg517Ile)

Gene: LCA5 (lebercilin LCA5; minus strand). Cytogenetic location: 6q14.1.
Variant type: single nucleotide variant.
Coding change: c.1550G>T on transcript NM_001122769.3 (MANE Select); coding-DNA position 1550, G replaced by T.
Protein change: p.Arg517Ile; replaces arginine 517 with isoleucine.
Molecular consequence: missense variant.
Genome position (GRCh38, 1-based): chr6:79,487,548, C>A on the plus strand (G>T on the coding strand, the complement: LCA5 is on the minus strand). VCF-style: chr6-79487548-C-A. GRCh37 (hg19) VCF-style: chr6-80197265-C-A.
Other names: c.1550G>T, p.Arg517Ile (NM_181714.4); short protein forms R517I.
Identifiers: ClinVar variation 851377 (VCV000851377.5), dbSNP rs140706052, ClinGen allele CA3900809.